The following is an entry in ClinVar:

NM_007126.5(VCP):c.367G>A (p.Val123Met)

Gene: VCP (valosin containing protein; minus strand). Cytogenetic location: 9p13.3.
Variant type: single nucleotide variant.
Coding change: c.367G>A on transcript NM_007126.5 (MANE Select); coding-DNA position 367, G replaced by A.
Protein change: p.Val123Met; replaces valine 123 with methionine.
Molecular consequence: missense variant.
Genome position (GRCh38, 1-based): chr9:35,066,753, C>T on the plus strand (G>A on the coding strand, the complement: VCP is on the minus strand). VCF-style: chr9-35066753-C-T. GRCh37 (hg19) VCF-style: chr9-35066750-C-T.
Other names: c.232G>A, p.Val78Met (NM_001354927.2, NM_001354928.2); short protein forms V78M, V123M.
Identifiers: ClinVar variation 1395756 (VCV001395756.6), dbSNP rs2131038977, ClinGen allele CA373292171.
Genomic context (GRCh38, chr9:35,066,753, plus strand): 5'-ACGCTTCCAGGAAGTACGGCTTAAGGTATACCTCGAAGAGATTACCAGTAATGCCTTCCA[C>T]TGTGTCATCAATGGGCAGCACATGGATACGTTTGCCGTACTTCACATCAGGGCATGGCTG-3'
Protein context (NP_009057.1, residues 113-133): RIHVLPIDDT[Val123Met]EGITGNLFEV

ClinVar aggregate classification (germline): Uncertain significance (1 of 4 stars; one submission).

Conditions:
Inclusion body myopathy with Paget disease of bone and frontotemporal dementia. Also called: Inclusion body myopathy with early-onset Paget disease and frontotemporal dementia. Identifiers: Orphanet 52430, MedGen C1833662, MONDO:0000507.
Frontotemporal dementia and/or amyotrophic lateral sclerosis 6 (FTDALS6). Also called: VCP-Related Amyotrophic Lateral Sclerosis; VCP-Related Amyotrophic Lateral Sclerosis/Frontotemporal Dementia. Identifiers: Orphanet 275872, Orphanet 803, MedGen C5436279, MONDO:0013501, OMIM 613954.

Submission:

Labcorp Genetics (formerly Invitae), Labcorp
Classification: Uncertain significance for Inclusion body myopathy with Paget disease of bone and frontotemporal dementia; Frontotemporal dementia and/or amyotrophic lateral sclerosis 6. Last evaluated: 2021-01-07. Review status: criteria provided, single submitter. Criteria: Invitae Variant Classification Sherloc (09022015). Collection method: clinical testing. Allele origin: germline.
Comment: In summary, the available evidence is currently insufficient to determine the role of this variant in disease. Therefore, it has been classified as a Variant of Uncertain Significance. Advanced modeling of protein sequence and biophysical properties (such as structural, functional, and spatial information, amino acid conservation, physicochemical variation, residue mobility, and thermodynamic stability) performed at Invitae indicates that this missense variant is expected to disrupt VCP protein function. This variant has not been reported in the literature in individuals with VCP-related conditions. This variant is not present in population databases (ExAC no frequency). This sequence change replaces valine with methionine at codon 123 of the VCP protein (p.Val123Met). The valine residue is moderately conserved and there is a small physicochemical difference between valine and methionine.